The following is an entry in ClinVar:

NM_022489.4(INF2):c.1485G>A (p.Pro495=)

Gene: INF2 (inverted formin 2; plus strand). Cytogenetic location: 14q32.33.
Variant type: single nucleotide variant.
Coding change: c.1485G>A on transcript NM_022489.4 (MANE Select); coding-DNA position 1485, G replaced by A.
Protein change: p.Pro495=; no amino-acid change (proline 495 retained).
Molecular consequence: synonymous variant.
Genome position (GRCh38, 1-based): chr14:104,707,752, G>A. VCF-style: chr14-104707752-G-A. GRCh37 (hg19) VCF-style: chr14-105174089-G-A.
Other names: c.1485G>A, p.Pro495= (NM_001031714.4).
Identifiers: ClinVar variation 651536 (VCV000651536.14), dbSNP rs780642540, ClinGen allele CA7372576.
Genomic context (GRCh38, chr14:104,707,752, plus strand): 5'-TCTACCACCACCCCTGCCAGGCTCCTGTGAGTTCCTGCCCCCACCACCTCCACCACTCCC[G>A]GGCTTGGGATGCCCGCCCCCACCCCCACCCCTGCTGCCTGGTATGGGCTGGGGCCCTCCT-3'
Protein context (NP_071934.3, residues 485-505): EFLPPPPPPL[Pro495=]GLGCPPPPPP

ClinVar aggregate classification (germline): Conflicting classifications of pathogenicity. Review status: criteria provided, conflicting classifications (1 of 4 stars). 4 submissions from 4 submitters: Uncertain significance (1); Benign (1); Likely benign (2). Last evaluated 2025-11-12.

Conditions:
INF2-related disorder. Also called: INF2-related condition.
Focal segmental glomerulosclerosis 5 (FSGS5). Identifiers: Orphanet 656, MedGen C2750475, MONDO:0013191, OMIM 613237.
Charcot-Marie-Tooth disease dominant intermediate E. Also called: CHARCOT-MARIE-TOOTH NEUROPATHY WITH FOCAL SEGMENTAL GLOMERULONEPHRITIS. Identifiers: Orphanet 93114, MedGen C4302667, MONDO:0013758, OMIM 614455.

Allele frequency attached by ClinVar (database versions not stated): gnomAD exomes 0.00004 and 0.00007; gnomAD 0.00005 and 0.00006; ExAC 0.00009.
gnomAD v4.1: 67 of 1,040,164 alleles (0.0064%); highest among the groups gnomAD compares: East Asian, 0.011%; no homozygotes.

Submissions (5):

Women's Health and Genetics/Laboratory Corporation of America, LabCorp
Classification: Benign. Last evaluated: 2025-11-12. Review status: criteria provided, single submitter. Criteria: LabCorp Variant Classification Summary - May 2015. Collection method: clinical testing. Allele origin: germline.
Comment: Variant summary: INF2 c.1485G>A results in a synonymous change. Several computational tools predict a significant impact on normal splicing: One predict the variant creates a 5' donor site. Four predict the variant creates a 3' acceptor site. However, these predictions have yet to be confirmed by functional studies. The variant allele was found at a frequency of 6.4e-05 in 1040164 control chromosomes. The observed variant frequency exceeds the estimated maximal expected allele frequency for disease-causing variants in INF2. To our knowledge, no occurrence of c.1485G>A in individuals affected with INF2-related conditions and no experimental evidence demonstrating its impact on protein function have been reported. ClinVar contains an entry for this variant (Variation ID: 651536). Based on the evidence outlined above, the variant was classified as benign.

Labcorp Genetics (formerly Invitae), Labcorp
Classification: Likely benign for Charcot-Marie-Tooth disease dominant intermediate E; Focal segmental glomerulosclerosis 5. Last evaluated: 2025-02-11. Review status: criteria provided, single submitter. Criteria: Invitae Variant Classification Sherloc (09022015). Collection method: clinical testing. Allele origin: germline.

PreventionGenetics, part of Exact Sciences
Classification: Likely benign for INF2-related condition. Last evaluated: 2024-12-02. Review status: criteria provided, single submitter. Criteria: ACMG Guidelines, 2015. Collection method: clinical testing. Allele origin: germline.
Comment: This variant is classified as likely benign based on ACMG/AMP sequence variant interpretation guidelines (Richards et al. 2015 PMID: 25741868, with internal and published modifications).

Fulgent Genetics
Classification: Uncertain significance for Focal segmental glomerulosclerosis 5; Charcot-Marie-Tooth disease dominant intermediate E. Last evaluated: 2021-12-29. Review status: criteria provided, single submitter. Criteria: ACMG Guidelines, 2015. Collection method: clinical testing. Allele origin: unknown.

Dr. Peter K. Rogan Lab, Western University
No classification provided (evidence only). Condition: Hepatocellular carcinoma. Review status: no classification provided. Collection method: in vitro. Allele origin: not applicable. Functional consequence: retained intron. Not counted in ClinVar's aggregate classification.